The following is an entry in ClinVar:

ClinVar aggregate classification (germline): Conflicting classifications of pathogenicity. Review status: criteria provided, conflicting classifications (1 of 4 stars). 3 submissions from 3 submitters: Uncertain significance (2); Likely benign (1). Last evaluated 2024-11-29.

Conditions:
PEX13-related disorder. Also called: PEX13-related condition; PEX13-related disorders.
Peroxisome biogenesis disorder 11A (Zellweger). Also called: Peroxisome biogenesis disorder 11A. Identifiers: Orphanet 912, MedGen C3554000, MONDO:0013949, OMIM 614883.

Submissions (3):

PreventionGenetics, part of Exact Sciences
Classification: Likely benign for PEX13-related condition. Last evaluated: 2024-11-29. Review status: criteria provided, single submitter. Criteria: ACMG Guidelines, 2015. Collection method: clinical testing. Allele origin: germline.
Comment: This variant is classified as likely benign based on ACMG/AMP sequence variant interpretation guidelines (Richards et al. 2015 PMID: 25741868, with internal and published modifications).

Women's Health and Genetics/Laboratory Corporation of America, LabCorp
Classification: Uncertain significance. Last evaluated: 2024-09-15. Review status: criteria provided, single submitter. Criteria: LabCorp Variant Classification Summary - May 2015. Collection method: clinical testing. Allele origin: germline.

Labcorp Genetics (formerly Invitae), Labcorp
Classification: Uncertain significance for Peroxisome biogenesis disorder 11A (Zellweger). Last evaluated: 2022-09-07. Review status: criteria provided, single submitter. Criteria: Invitae Variant Classification Sherloc (09022015). Collection method: clinical testing. Allele origin: germline.
Comment: ClinVar contains an entry for this variant (Variation ID: 1507329). In summary, the available evidence is currently insufficient to determine the role of this variant in disease. Therefore, it has been classified as a Variant of Uncertain Significance. Variants that disrupt the consensus splice site are a relatively common cause of aberrant splicing (PMID: 17576681, 9536098). Algorithms developed to predict the effect of sequence changes on RNA splicing suggest that this variant is not likely to affect RNA splicing. This variant has not been reported in the literature in individuals affected with PEX13-related conditions. This variant is not present in population databases (gnomAD no frequency). This sequence change falls in intron 3 of the PEX13 gene. It does not directly change the encoded amino acid sequence of the PEX13 protein. It affects a nucleotide within the consensus splice site.

Literature cited by the submitters: PubMed 17576681 (cited by Labcorp Genetics (formerly Invitae), Labcorp); PubMed 9536098 (cited by Labcorp Genetics (formerly Invitae), Labcorp).

NM_002618.4(PEX13):c.913+3A>G

Gene: PEX13 (peroxisomal biogenesis factor 13; plus strand). Cytogenetic location: 2p15.
Variant type: single nucleotide variant.
Coding change: c.913+3A>G on transcript NM_002618.4 (MANE Select); 3 bases into the intron after coding-DNA position 913, A replaced by G.
Molecular consequence: intron variant.
Genome position (GRCh38, 1-based): chr2:61,045,854, A>G. VCF-style: chr2-61045854-A-G. GRCh37 (hg19) VCF-style: chr2-61272989-A-G.
Other names: c.913+3A>G (NM_002618.3).
Identifiers: ClinVar variation 1507329 (VCV001507329.8), dbSNP rs2104812816, ClinGen allele CA2573134972.